The following is an entry in ClinVar:

ClinVar aggregate classification (germline): Uncertain significance (1 of 4 stars; one submission).

Allele frequency attached by ClinVar (database versions not stated): TOPMed 0.00001; ExAC 0.00003; gnomAD exomes 0.00003.
gnomAD v4.1: 41 of 1,610,842 alleles (0.0025%); highest among the groups gnomAD compares: South Asian, 0.044%; 1 homozygote.

Submission:

Labcorp Genetics (formerly Invitae), Labcorp
Classification: Uncertain significance. Last evaluated: 2022-05-21. Review status: criteria provided, single submitter. Criteria: Invitae Variant Classification Sherloc (09022015). Collection method: clinical testing. Allele origin: germline.
Comment: This sequence change falls in intron 29 of the OTOF gene. It does not directly change the encoded amino acid sequence of the OTOF protein. It affects a nucleotide within the consensus splice site. This variant is present in population databases (rs769983044, gnomAD 0.03%). This variant has not been reported in the literature in individuals affected with OTOF-related conditions. Variants that disrupt the consensus splice site are a relatively common cause of aberrant splicing (PMID: 17576681, 9536098). Algorithms developed to predict the effect of sequence changes on RNA splicing suggest that this variant is not likely to affect RNA splicing. In summary, the available evidence is currently insufficient to determine the role of this variant in disease. Therefore, it has been classified as a Variant of Uncertain Significance.

Literature cited by the submitters: PubMed 17576681; PubMed 9536098.

NM_194248.3(OTOF):c.3733+6G>C

Gene: OTOF (otoferlin; minus strand). Cytogenetic location: 2p23.3.
Variant type: single nucleotide variant.
Coding change: c.3733+6G>C on transcript NM_194248.3 (MANE Select); 6 bases into the intron after coding-DNA position 3733, G replaced by C.
Molecular consequence: intron variant.
Genome position (GRCh38, 1-based): chr2:26,473,126, C>G on the plus strand (G>C on the coding strand, the complement: OTOF is on the minus strand). VCF-style: chr2-26473126-C-G. GRCh37 (hg19) VCF-style: chr2-26695994-C-G.
Other names: c.3733+6G>C (NM_001287489.2); c.1492+6G>C (NM_194323.3, NM_004802.4); c.1663+6G>C (NM_194322.3).
Identifiers: ClinVar variation 2168695 (VCV002168695.1), dbSNP rs769983044, ClinGen allele CA1563463.
Genomic context (GRCh38, chr2:26,473,126, plus strand): 5'-GAGACCTGGAGCCCTTCCCTGGGGGGCGTGGAGCCAGGCTTGGTGGCAGGGTGGATGTGG[C>G]CATACCCGTGGTGTTCCAGCTGGGGGCCGAGCGGTCTGGGGGCCGGTAGATGAAGCGTCG-3'